The following is an entry in ClinVar:

NM_014915.3(ANKRD26):c.2232T>A (p.Asn744Lys)

Gene: ANKRD26 (ankyrin repeat domain 26; minus strand). Cytogenetic location: 10p12.1.
Variant type: single nucleotide variant.
Coding change: c.2232T>A on transcript NM_014915.3 (MANE Select); coding-DNA position 2232, T replaced by A.
Protein change: p.Asn744Lys; replaces asparagine 744 with lysine.
Molecular consequence: missense variant.
Genome position (GRCh38, 1-based): chr10:27,040,108, A>T on the plus strand (T>A on the coding strand, the complement: ANKRD26 is on the minus strand). VCF-style: chr10-27040108-A-T. GRCh37 (hg19) VCF-style: chr10-27329037-A-T.
Other names: c.2229T>A, p.Asn743Lys (NM_001256053.2); short protein forms N743K, N744K.
Identifiers: ClinVar variation 880063 (VCV000880063.13), dbSNP rs368921201, ClinGen allele CA5448264.

ClinVar aggregate classification (germline): Conflicting classifications of pathogenicity. Review status: criteria provided, conflicting classifications (1 of 4 stars). 6 submissions from 6 submitters: Uncertain significance (1); Benign (2); Likely benign (3). Last evaluated 2026-01-12.

Conditions:
Thrombocytopenia 2 (THC2). Also called: ANKRD26-Related Thrombocytopenia. Identifiers: Orphanet 268322, MedGen C1861185, MONDO:0008555, OMIM 188000.

Allele frequency attached by ClinVar (database versions not stated): ExAC 0.00017; gnomAD exomes 0.00018 and 0.00036; TOPMed 0.00020; gnomAD 0.00022 and 0.00024; ESP Exome Variant Server 0.00026.

Submissions (6):

Labcorp Genetics (formerly Invitae), Labcorp
Classification: Uncertain significance. Last evaluated: 2026-01-12. Review status: criteria provided, single submitter. Criteria: Invitae Variant Classification Sherloc (09022015). Collection method: clinical testing. Allele origin: germline.
Comment: This sequence change replaces asparagine, which is neutral and polar, with lysine, which is basic and polar, at codon 744 of the ANKRD26 protein (p.Asn744Lys). This variant is present in population databases (rs368921201, gnomAD 0.04%), and has an allele count higher than expected for a pathogenic variant. This missense change has been observed in individual(s) with ANKRD26-related conditions (PMID: 38103590). ClinVar contains an entry for this variant (Variation ID: 880063). An algorithm developed to predict the effect of missense changes on protein structure and function outputs the following: PolyPhen-2: "Benign". The lysine amino acid residue is found in multiple mammalian species, which suggests that this missense change does not adversely affect protein function. In summary, the available evidence is currently insufficient to determine the role of this variant in disease. Therefore, it has been classified as a Variant of Uncertain Significance.

Blueprint Genetics
Classification: Likely benign. Last evaluated: 2024-07-23. Review status: criteria provided, single submitter. Criteria: ACMG Guidelines, 2015. Collection method: clinical testing. Allele origin: germline.

Genome-Nilou Lab
Classification: Benign for Thrombocytopenia 2. Last evaluated: 2021-12-05. Review status: criteria provided, single submitter. Criteria: ACMG Guidelines, 2015. Collection method: clinical testing. Allele origin: germline. Affected: no.

GeneDx
Classification: Likely benign. Last evaluated: 2021-02-05. Review status: criteria provided, single submitter. Criteria: GeneDx Variant Classification Process June 2021. Collection method: clinical testing. Allele origin: germline. Affected: yes.
Comment: In silico analysis supports that this missense variant does not alter protein structure/function; Has not been previously published as pathogenic or benign to our knowledge

Illumina Laboratory Services, Illumina
Classification: Benign for Thrombocytopenia 2. Last evaluated: 2018-01-13. Review status: criteria provided, single submitter. Criteria: ICSL Variant Classification Criteria 13 December 2019. Collection method: clinical testing. Allele origin: germline.
Comment: This variant was observed in the ICSL laboratory as part of a predisposition screen in an ostensibly healthy population. It had not been previously curated by ICSL or reported in the Human Gene Mutation Database (HGMD: prior to June 1st, 2018), and was therefore a candidate for classification through an automated scoring system. Utilizing variant allele frequency, disease prevalence and penetrance estimates, and inheritance mode, an automated score was calculated to assess if this variant is too frequent to cause the disease. Based on the score and internal cut-off values, a variant classified as benign is not then subjected to further curation. The score for this variant resulted in a classification of benign for this disease.

Breakthrough Genomics
Classification: Likely benign. Review status: criteria provided, single submitter. Criteria: ACMG Guidelines, 2015. Collection method: not provided. Allele origin: germline. Inheritance: Autosomal dominant inheritance. Affected: yes.

Literature cited by the submitters: PubMed 38103590 (cited by Labcorp Genetics (formerly Invitae), Labcorp).